The following is an entry in ClinVar:

NM_000384.3(APOB):c.3829C>T (p.Leu1277Phe)

Gene: APOB (apolipoprotein B; minus strand). Cytogenetic location: 2p24.1.
Variant type: single nucleotide variant.
Coding change: c.3829C>T on transcript NM_000384.3 (MANE Select); coding-DNA position 3829, C replaced by T.
Protein change: p.Leu1277Phe; replaces leucine 1277 with phenylalanine.
Molecular consequence: missense variant.
Genome position (GRCh38, 1-based): chr2:21,014,461, G>A on the plus strand (C>T on the coding strand, the complement: APOB is on the minus strand). VCF-style: chr2-21014461-G-A. GRCh37 (hg19) VCF-style: chr2-21237333-G-A.
Other names: short protein forms L1277F.
Identifiers: ClinVar variation 391612 (VCV000391612.18), dbSNP rs544542990, ClinGen allele CA059680.

ClinVar aggregate classification (germline): Conflicting classifications of pathogenicity. Review status: criteria provided, conflicting classifications (1 of 4 stars). 4 submissions from 4 submitters: Uncertain significance (2); Benign (1); Likely benign (1). Last evaluated 2026-08-04.

Conditions:
Familial hypercholesterolemia. Also called: Familial hypercholesterolemias; Familial hypercholesterolaemia. Identifiers: MedGen C0020445, MONDO:0005439.
Cardiovascular phenotype. Identifiers: MedGen CN230736.
Familial hypobetalipoproteinemia 1. Also called: APOB-Related Familial Hypobetalipoproteinemia; Hypobetalipoproteinemia, normotriglyceridemic; Acanthocytosis with hypobetalipoproteinemia. Identifiers: MedGen C4551990, MONDO:0014252, OMIM 615558.
Hypercholesterolemia, autosomal dominant, type B (FHCL2). Also called: Familial hypercholesterolemia 2; Familial Hypercholesterolemia Type B; HYPERCHOLESTEROLEMIA, FAMILIAL, DUE TO LIGAND-DEFECTIVE APOLIPOPROTEIN B; APOB-Related Familial Hypercholesterolemia, Autosomal Dominant; APOLIPOPROTEIN B-100, FAMILIAL DEFECTIVE; APOLIPOPROTEIN B-100, FAMILIAL LIGAND-DEFECTIVE. Identifiers: MedGen C1704417, MONDO:0007751, OMIM 144010.

Allele frequency attached by ClinVar (database versions not stated): gnomAD 0.00001; TOPMed 0.00001; gnomAD exomes 0.00013; 1000 Genomes Project 30x 0.00016; ExAC 0.00016; 1000 Genomes Project 0.00020.
gnomAD v4.1: 105 of 1,614,134 alleles (0.0065%); highest among the groups gnomAD compares: South Asian, 0.11%; 1 homozygote.

Submissions (4):

Cambridge Genomics Laboratory, East Genomic Laboratory Hub, NHS Genomic Medicine Service
Classification: Uncertain significance for Familial hypercholesterolaemia. Last evaluated: 2026-08-04. Review status: criteria provided, single submitter. Criteria: ACGS Best Practice Guidelines for Variant Classification in Rare Disease 2020. Collection method: clinical testing. Allele origin: germline. Affected: yes.

Labcorp Genetics (formerly Invitae), Labcorp
Classification: Likely benign for Familial hypobetalipoproteinemia 1; Hypercholesterolemia, autosomal dominant, type B. Last evaluated: 2025-08-13. Review status: criteria provided, single submitter. Criteria: Invitae Variant Classification Sherloc (09022015). Collection method: clinical testing. Allele origin: germline.

GeneDx
Classification: Uncertain significance. Last evaluated: 2025-06-11. Review status: criteria provided, single submitter. Criteria: GeneDx Variant Classification Process June 2021. Collection method: clinical testing. Allele origin: germline. Affected: yes.
Comment: Has not been previously published as pathogenic or benign to our knowledge; In silico analysis supports that this missense variant has a deleterious effect on protein structure/function; Also known as L1250F; This variant is associated with the following publications: (PMID: 34998859, Zafar2021[article])

Ambry Genetics
Classification: Benign for Cardiovascular phenotype. Last evaluated: 2024-01-31. Review status: criteria provided, single submitter. Criteria: Ambry Variant Classification Scheme 2023. Collection method: clinical testing. Allele origin: germline.